The following is an entry in ClinVar:

ClinVar aggregate classification (germline): Uncertain significance (1 of 4 stars; one submission).

Conditions:
Hereditary sensory and autonomic neuropathy type 7. Also called: Neuropathy, hereditary sensory and autonomic, type VII; HSAN VII. Identifiers: Orphanet 391397, MedGen C3809882, MONDO:0014244, OMIM 615548.
Familial episodic pain syndrome with predominantly lower limb involvement. Also called: Episodic pain syndrome, familial, 3. Identifiers: Orphanet 391384, Orphanet 391392, MedGen C3809899, MONDO:0014247, OMIM 615552.

Allele frequency attached by ClinVar (database versions not stated): gnomAD exomes below 0.00001.
gnomAD v4.1: 1 of 1,613,298 alleles (0.000062%); highest among the groups gnomAD compares: Non-Finnish European, 0.000085%; no homozygotes.

Submission:

Labcorp Genetics (formerly Invitae), Labcorp
Classification: Uncertain significance for Familial episodic pain syndrome with predominantly lower limb involvement; Hereditary sensory and autonomic neuropathy type 7. Last evaluated: 2019-03-11. Review status: criteria provided, single submitter. Criteria: Invitae Variant Classification Sherloc (09022015). Collection method: clinical testing. Allele origin: germline.
Comment: In summary, the available evidence is currently insufficient to determine the role of this variant in disease. Therefore, it has been classified as a Variant of Uncertain Significance. Algorithms developed to predict the effect of missense changes on protein structure and function (SIFT, PolyPhen-2, Align-GVGD) all suggest that this variant is likely to be disruptive, but these predictions have not been confirmed by published functional studies and their clinical significance is uncertain. This variant has not been reported in the literature in individuals with SCN11A-related conditions. This variant is not present in population databases (ExAC no frequency). This sequence change replaces serine with leucine at codon 307 of the SCN11A protein (p.Ser307Leu). The serine residue is highly conserved and there is a large physicochemical difference between serine and leucine.

NM_001349253.2(SCN11A):c.920C>T (p.Ser307Leu)

Gene: SCN11A (sodium voltage-gated channel alpha subunit 11; minus strand). Cytogenetic location: 3p22.2.
Variant type: single nucleotide variant.
Coding change: c.920C>T on transcript NM_001349253.2 (MANE Select); coding-DNA position 920, C replaced by T.
Protein change: p.Ser307Leu; replaces serine 307 with leucine.
Molecular consequence: missense variant.
Genome position (GRCh38, 1-based): chr3:38,919,974, G>A on the plus strand (C>T on the coding strand, the complement: SCN11A is on the minus strand). VCF-style: chr3-38919974-G-A. GRCh37 (hg19) VCF-style: chr3-38961465-G-A.
Other names: c.920C>T, p.Ser307Leu (NM_014139.3); short protein forms S307L.
Identifiers: ClinVar variation 855954 (VCV000855954.6), dbSNP rs1166678317, ClinGen allele CA352170775.
Genomic context (GRCh38, chr3:38,919,974, plus strand): 5'-AAATGATTATAAACCTCTTACCTGTTACCCATCCAGATGCCACACATTTTGAATTCAGGT[G>A]AATTTTCTTTCTTTTCAAAGCAATGGTCTGAGAGAGGAAAAAGTCATAAATTCAGATTTT-3'
Protein context (NP_001336182.1, residues 297-317): YDHCFEKKEN[Ser307Leu]PEFKMCGIWM